The following is an entry in ClinVar:

ClinVar aggregate classification (germline): Uncertain significance (1 of 4 stars; one submission).

gnomAD v4.1: 2 of 1,613,086 alleles (0.00012%); highest among the groups gnomAD compares: South Asian, 0.0011%; no homozygotes.

Submission:

GeneDx
Classification: Uncertain significance. Last evaluated: 2019-04-04. Review status: criteria provided, single submitter. Criteria: GeneDx Variant Classification Process June 2021. Collection method: clinical testing. Allele origin: germline. Affected: yes.
Comment: Not observed in large population cohorts (Lek et al., 2016); In silico analysis, which includes splice predictors and evolutionary conservation, supports a deleterious effect; Has not been previously published as pathogenic or benign to our knowledge

NM_001386298.1(CIC):c.5426-7C>G

Gene: CIC (capicua transcriptional repressor; plus strand). Cytogenetic location: 19q13.2.
Variant type: single nucleotide variant.
Coding change: c.5426-7C>G on transcript NM_001386298.1 (MANE Select); 7 bases into the intron before coding-DNA position 5426, C replaced by G.
Molecular consequence: intron variant.
Genome position (GRCh38, 1-based): chr19:42,291,551, C>G. VCF-style: chr19-42291551-C-G. GRCh37 (hg19) VCF-style: chr19-42795703-C-G.
Other names: c.5426-7C>G (NM_001304815.2, NM_001379482.1, NM_001379480.1); c.2699-7C>G (NM_015125.5, NM_001379484.1, NM_001379485.1).
Identifiers: ClinVar variation 1308389 (VCV001308389.2), dbSNP rs763334293, ClinGen allele CA2573054784.